The following is an entry in ClinVar:

ClinVar aggregate classification (germline): Uncertain significance (1 of 4 stars; one submission).

Submission:

GeneDx
Classification: Uncertain significance. Last evaluated: 2022-09-26. Review status: criteria provided, single submitter. Criteria: GeneDx Variant Classification Process June 2021. Collection method: clinical testing. Allele origin: germline. Affected: yes.
Comment: Not observed at significant frequency in large population cohorts (gnomAD); In silico analysis supports that this missense variant has a deleterious effect on protein structure/function; Has not been previously published as pathogenic or benign to our knowledge

NM_002911.4(UPF1):c.1906G>A (p.Asp636Asn)

Gene: UPF1 (UPF1 RNA helicase and ATPase; plus strand). Cytogenetic location: 19p13.11.
Variant type: single nucleotide variant.
Coding change: c.1906G>A on transcript NM_002911.4 (MANE Select); coding-DNA position 1906, G replaced by A.
Protein change: p.Asp636Asn; replaces aspartic acid 636 with asparagine.
Molecular consequence: missense variant.
Genome position (GRCh38, 1-based): chr19:18,856,958, G>A. VCF-style: chr19-18856958-G-A. GRCh37 (hg19) VCF-style: chr19-18967767-G-A.
Other names: c.1939G>A, p.Asp647Asn (NM_001297549.2); short protein forms D636N, D647N.
Identifiers: ClinVar variation 2446306 (VCV002446306.1), dbSNP rs2512925075, ClinGen allele CA404885595.